The following is an entry in ClinVar:

ClinVar aggregate classification (germline): Pathogenic (1 of 4 stars; one submission).

Conditions:
Inborn genetic diseases. Identifiers: MedGen C0950123, MeSH D030342.

Allele frequency attached by ClinVar (database versions not stated): ExAC 0.00001.

Submission:

Ambry Genetics
Classification: Pathogenic for Inborn genetic diseases. Last evaluated: 2021-03-17. Review status: criteria provided, single submitter. Criteria: Ambry Variant Classification Scheme 2023. Collection method: clinical testing. Allele origin: germline.
Comment: The c.1190G>A (p.W397*) alteration, located in exon 11 (coding exon 10) of the TRAPPC11 gene, consists of a G to A substitution at nucleotide position 1190. This changes the amino acid from a tryptophan (W) to a stop codon at amino acid position 397. This alteration is expected to result in loss of function by premature protein truncation or nonsense-mediated mRNA decay. Based on the available evidence, this alteration is classified as pathogenic.

NM_021942.6(TRAPPC11):c.1190G>A (p.Trp397Ter)

Gene: TRAPPC11 (trafficking protein particle complex subunit 11; plus strand). Cytogenetic location: 4q35.1.
Variant type: single nucleotide variant.
Coding change: c.1190G>A on transcript NM_021942.6 (MANE Select); coding-DNA position 1190, G replaced by A.
Protein change: p.Trp397Ter; replaces tryptophan 397 with a stop codon.
Molecular consequence: nonsense.
Genome position (GRCh38, 1-based): chr4:183,682,808, G>A. VCF-style: chr4-183682808-G-A. GRCh37 (hg19) VCF-style: chr4-184603961-G-A.
Other names: c.1190G>A, p.Trp397Ter (NM_199053.3); short protein forms W397*.
Identifiers: ClinVar variation 2230005 (VCV002230005.2), dbSNP rs756883456, ClinGen allele CA3151815.
Genomic context (GRCh38, chr4:183,682,808, plus strand): 5'-CCAATCCTGATCCCTTAGAAACACAAACAGGCGTTCTTGACTTTTATGGACAAAGATCAT[G>A]GCGACAAGGAATACTAAGTAAATAATTTTTCCCTCTGTCCTTTCCTCTCAACCTCAAAAG-3'